The following is an entry in ClinVar:

NM_182961.4(SYNE1):c.4636A>G (p.Thr1546Ala)

Gene: SYNE1 (spectrin repeat containing nuclear envelope protein 1; minus strand). Cytogenetic location: 6q25.2.
Variant type: single nucleotide variant.
Coding change: c.4636A>G on transcript NM_182961.4 (MANE Select); coding-DNA position 4636, A replaced by G.
Protein change: p.Thr1546Ala; replaces threonine 1546 with alanine.
Molecular consequence: missense variant.
Genome position (GRCh38, 1-based): chr6:152,430,535, T>C on the plus strand (A>G on the coding strand, the complement: SYNE1 is on the minus strand). VCF-style: chr6-152430535-T-C. GRCh37 (hg19) VCF-style: chr6-152751670-T-C.
Other names: c.4657A>G, p.Thr1553Ala (NM_033071.5); c.4657A>G (NM_033071.3); short protein forms T1553A, T1546A.
Identifiers: ClinVar variation 289073 (VCV000289073.16), dbSNP rs146965313, ClinGen allele CA4058513.
Genomic context (GRCh38, chr6:152,430,535, plus strand): 5'-TTCTTACCTTTCTAAGGTTCTCTTCAAACTTTTGCTGCTGAGATAAATGTCCCAGGATTG[T>C]TCCTTCCAGACACTGTGCATGCTCTCGAAGCTCTTCCCCGTATCTTCTTATTTGTGTCAA-3'
Protein context (NP_892006.3, residues 1536-1556): LREHAQCLEG[Thr1546Ala]ILGHLSQQQK

ClinVar aggregate classification (germline): Uncertain significance. Review status: criteria provided, multiple submitters, no conflicts (2 of 4 stars). 5 submissions from 5 submitters: Uncertain significance (5). Last evaluated 2024-11-16.

Conditions:
Inborn genetic diseases. Identifiers: MedGen C0950123, MeSH D030342.
Autosomal recessive ataxia, Beauce type. Also called: Spinocerebellar ataxia, autosomal recessive 8; ATAXIA, RECESSIVE, OF BEAUCE; SYNE1 Deficiency; SYNE1-Related Autosomal Recessive Cerebellar Ataxia. Identifiers: Orphanet 88644, MedGen C1853116, MONDO:0012549, OMIM 610743.
Emery-Dreifuss muscular dystrophy 4, autosomal dominant (EDMD4). Also called: EMERY-DREIFUSS MUSCULAR DYSTROPHY 4 WITH VARIABLE FEATURES. Identifiers: Orphanet 261, MedGen C2751807, MONDO:0013071, OMIM 612998.

Allele frequency attached by ClinVar (database versions not stated): gnomAD exomes 0.00002 and 0.00006; ExAC 0.00007; gnomAD 0.00014 and 0.00016; TOPMed 0.00016; ESP Exome Variant Server 0.00031.
gnomAD v4.1: 49 of 1,614,042 alleles (0.003%); highest among the groups gnomAD compares: African/African-American, 0.06%; no homozygotes.

Submissions (5):

Labcorp Genetics (formerly Invitae), Labcorp
Classification: Uncertain significance for Emery-Dreifuss muscular dystrophy 4, autosomal dominant; Autosomal recessive ataxia, Beauce type. Last evaluated: 2024-11-16. Review status: criteria provided, single submitter. Criteria: Invitae Variant Classification Sherloc (09022015). Collection method: clinical testing. Allele origin: germline.
Comment: This sequence change replaces threonine, which is neutral and polar, with alanine, which is neutral and non-polar, at codon 1553 of the SYNE1 protein (p.Thr1553Ala). This variant is present in population databases (rs146965313, gnomAD 0.08%). This variant has not been reported in the literature in individuals affected with SYNE1-related conditions. ClinVar contains an entry for this variant (Variation ID: 289073). An algorithm developed to predict the effect of missense changes on protein structure and function outputs the following: PolyPhen-2: "Benign". The alanine amino acid residue is found in multiple mammalian species, which suggests that this missense change does not adversely affect protein function. In summary, the available evidence is currently insufficient to determine the role of this variant in disease. Therefore, it has been classified as a Variant of Uncertain Significance.

Ambry Genetics
Classification: Uncertain significance for Inborn genetic diseases. Last evaluated: 2021-08-12. Review status: criteria provided, single submitter. Criteria: Ambry Variant Classification Scheme 2023. Collection method: clinical testing. Allele origin: germline.

Revvity Omics, Revvity
Classification: Uncertain significance. Last evaluated: 2020-10-05. Review status: criteria provided, single submitter. Criteria: ACMG Guidelines, 2015. Collection method: clinical testing. Allele origin: germline.

Athena Diagnostics
Classification: Uncertain significance. Last evaluated: 2018-06-19. Review status: criteria provided, single submitter. Criteria: Athena Diagnostics Criteria. Collection method: clinical testing. Allele origin: germline.

Eurofins Ntd Llc (ga)
Classification: Uncertain significance. Last evaluated: 2016-07-18. Review status: criteria provided, single submitter. Criteria: EGL Classification Definitions 2015. Collection method: clinical testing. Allele origin: germline. Observed: 2 variant alleles, 2 heterozygotes.